The following is an entry in ClinVar:

NM_001330700.2(TOP2B):c.127A>G (p.Asn43Asp)

Gene: TOP2B (DNA topoisomerase II beta; minus strand). Cytogenetic location: 3p24.2.
Variant type: single nucleotide variant.
Coding change: c.127A>G on transcript NM_001330700.2 (MANE Select); coding-DNA position 127, A replaced by G.
Protein change: p.Asn43Asp; replaces asparagine 43 with aspartic acid.
Molecular consequence: missense variant.
Genome position (GRCh38, 1-based): chr3:25,645,413, T>C on the plus strand (A>G on the coding strand, the complement: TOP2B is on the minus strand). VCF-style: chr3-25645413-T-C. GRCh37 (hg19) VCF-style: chr3-25686904-T-C.
Other names: c.112A>G, p.Asn38Asp (NM_001068.3); short protein forms N38D, N43D.
Identifiers: ClinVar variation 2173865 (VCV002173865.4), dbSNP rs746084958, ClinGen allele CA2288973.

ClinVar aggregate classification (germline): Uncertain significance (1 of 4 stars; one submission).

Allele frequency attached by ClinVar (database versions not stated): gnomAD 0.00001; TOPMed 0.00001; ExAC 0.00002; gnomAD exomes 0.00002.
gnomAD v4.1: 28 of 1,613,744 alleles (0.0017%); highest among the groups gnomAD compares: Non-Finnish European, 0.0024%; no homozygotes.

Submission:

Labcorp Genetics (formerly Invitae), Labcorp
Classification: Uncertain significance. Last evaluated: 2022-12-08. Review status: criteria provided, single submitter. Criteria: Invitae Variant Classification Sherloc (09022015). Collection method: clinical testing. Allele origin: germline.
Comment: This variant is present in population databases (rs746084958, gnomAD 0.005%). In summary, the available evidence is currently insufficient to determine the role of this variant in disease. Therefore, it has been classified as a Variant of Uncertain Significance. Algorithms developed to predict the effect of missense changes on protein structure and function (SIFT, PolyPhen-2, Align-GVGD) all suggest that this variant is likely to be tolerated. This variant has not been reported in the literature in individuals affected with TOP2B-related conditions. This sequence change replaces asparagine, which is neutral and polar, with aspartic acid, which is acidic and polar, at codon 38 of the TOP2B protein (p.Asn38Asp).